The following is an entry in ClinVar:

ClinVar aggregate classification (germline): Uncertain significance. Review status: criteria provided, multiple submitters, no conflicts (2 of 4 stars). 2 submissions from 2 submitters: Uncertain significance (2). Last evaluated 2024-06-18.

Conditions:
Inborn genetic diseases. Identifiers: MedGen C0950123, MeSH D030342.
Charcot-Marie-Tooth disease type 4. Also called: Charcot-Marie-Tooth disease, type IV; Charcot-Marie-Tooth, Type 4. Identifiers: Orphanet 64749, MedGen C4082197, MONDO:0018995.

Allele frequency attached by ClinVar (database versions not stated): gnomAD exomes below 0.00001; TOPMed 0.00001.
gnomAD v4.1: 2 of 1,613,884 alleles (0.00012%); highest among the groups gnomAD compares: South Asian, 0.0011%; no homozygotes.

Submissions (2):

Ambry Genetics
Classification: Uncertain significance for Inborn genetic diseases. Last evaluated: 2024-06-18. Review status: criteria provided, single submitter. Criteria: Ambry Variant Classification Scheme 2023. Collection method: clinical testing. Allele origin: germline.

Labcorp Genetics (formerly Invitae), Labcorp
Classification: Uncertain significance for Charcot-Marie-Tooth disease type 4. Last evaluated: 2022-02-03. Review status: criteria provided, single submitter. Criteria: Invitae Variant Classification Sherloc (09022015). Collection method: clinical testing. Allele origin: germline.
Comment: This sequence change replaces glycine, which is neutral and non-polar, with aspartic acid, which is acidic and polar, at codon 627 of the SH3TC2 protein (p.Gly627Asp). This variant is present in population databases (no rsID available, gnomAD 0.003%). This variant has not been reported in the literature in individuals affected with SH3TC2-related conditions. Advanced modeling of protein sequence and biophysical properties (such as structural, functional, and spatial information, amino acid conservation, physicochemical variation, residue mobility, and thermodynamic stability) performed at Invitae indicates that this missense variant is not expected to disrupt SH3TC2 protein function. In summary, the available evidence is currently insufficient to determine the role of this variant in disease. Therefore, it has been classified as a Variant of Uncertain Significance.

NM_024577.4(SH3TC2):c.1880G>A (p.Gly627Asp)

Gene: SH3TC2 (SH3 domain and tetratricopeptide repeats 2; minus strand). Cytogenetic location: 5q32.
Variant type: single nucleotide variant.
Coding change: c.1880G>A on transcript NM_024577.4 (MANE Select); coding-DNA position 1880, G replaced by A.
Protein change: p.Gly627Asp; replaces glycine 627 with aspartic acid.
Molecular consequence: missense variant.
Genome position (GRCh38, 1-based): chr5:149,027,852, C>T on the plus strand (G>A on the coding strand, the complement: SH3TC2 is on the minus strand). VCF-style: chr5-149027852-C-T. GRCh37 (hg19) VCF-style: chr5-148407415-C-T.
Other names: c.1880G>A (NM_024577.3); short protein forms G627D.
Identifiers: ClinVar variation 1467218 (VCV001467218.6), dbSNP rs1380546665, ClinGen allele CA361667536.
Genomic context (GRCh38, chr5:149,027,852, plus strand): 5'-CCTAGGCTCAGGAGCAAGCGGATGGCCAGAAAGCAGGCCCTGGCCTCCAGCGGGCTGCTG[C>T]CCACCACAATCCCCTGGCGCAGCACGTAGGCCACCACGTCGAGTTCATGCTTGGCACTAG-3'
Protein context (NP_078853.2, residues 617-637): AYVLRQGIVV[Gly627Asp]SSPLEARACF